The following is an entry in ClinVar:

NM_006031.6(PCNT):c.2557G>A (p.Ala853Thr)

Gene: PCNT (pericentrin; plus strand). Cytogenetic location: 21q22.3.
Variant type: single nucleotide variant.
Coding change: c.2557G>A on transcript NM_006031.6 (MANE Select); coding-DNA position 2557, G replaced by A.
Protein change: p.Ala853Thr; replaces alanine 853 with threonine.
Molecular consequence: missense variant.
Genome position (GRCh38, 1-based): chr21:46,363,882, G>A. VCF-style: chr21-46363882-G-A. GRCh37 (hg19) VCF-style: chr21-47783797-G-A.
Other names: c.2203G>A, p.Ala735Thr (NM_001315529.2); short protein forms A735T, A853T.
Identifiers: ClinVar variation 4980932 (VCV004980932.1).

ClinVar aggregate classification (germline): Uncertain significance (1 of 4 stars; one submission).

Conditions:
PCNT-related disorder. Also called: PCNT-related condition.

gnomAD v4.1: 26 of 1,610,962 alleles (0.0016%); highest among the groups gnomAD compares: East Asian, 0.031%; no homozygotes.

Submission:

PreventionGenetics, part of Exact Sciences
Classification: Uncertain significance for PCNT-related condition. Last evaluated: 2024-11-10. Review status: criteria provided, single submitter. Criteria: ACMG Guidelines, 2015. Collection method: clinical testing. Allele origin: germline.
Comment: The PCNT c.2557G>A variant is predicted to result in the amino acid substitution p.Ala853Thr. To our knowledge, this variant has not been reported in the literature. This variant is reported in 0.066% of alleles in individuals of East Asian descent in gnomAD, which is likely too common for an undocumented disease-causing variant. Although we suspect that this variant may be benign, at this time, the clinical significance of this variant is uncertain due to the absence of conclusive functional and genetic evidence.